The following is an entry in ClinVar:

NM_001271.4(CHD2):c.4799A>G (p.Asn1600Ser)

Gene: CHD2 (chromodomain helicase DNA binding protein 2; plus strand). Cytogenetic location: 15q26.1.
Variant type: single nucleotide variant.
Coding change: c.4799A>G on transcript NM_001271.4 (MANE Select); coding-DNA position 4799, A replaced by G.
Protein change: p.Asn1600Ser; replaces asparagine 1600 with serine.
Molecular consequence: missense variant.
Genome position (GRCh38, 1-based): chr15:93,014,802, A>G. VCF-style: chr15-93014802-A-G. GRCh37 (hg19) VCF-style: chr15-93558032-A-G.
Other names: short protein forms N1600S.
Identifiers: ClinVar variation 1993934 (VCV001993934.7), dbSNP rs1596458229, ClinGen allele CA393906716.

ClinVar aggregate classification (germline): Uncertain significance. Review status: criteria provided, multiple submitters, no conflicts (2 of 4 stars). 2 submissions from 2 submitters: Uncertain significance (2). Last evaluated 2024-08-11.

Conditions:
Developmental and epileptic encephalopathy 94 (DEE94). Also called: CHD2-Related Neurodevelopmental Disorders; Epileptic encephalopathy, childhood-onset. Identifiers: Orphanet 1942, Orphanet 2382, MedGen C3809278, MONDO:0014150, OMIM 615369.

Allele frequency attached by ClinVar (database versions not stated): gnomAD exomes below 0.00001.
gnomAD v4.1: 1 of 1,614,000 alleles (0.000062%); highest among the groups gnomAD compares: African/African-American, 0.0013%; no homozygotes.

Submissions (2):

Labcorp Genetics (formerly Invitae), Labcorp
Classification: Uncertain significance for Developmental and epileptic encephalopathy 94. Last evaluated: 2024-08-11. Review status: criteria provided, single submitter. Criteria: Invitae Variant Classification Sherloc (09022015). Collection method: clinical testing. Allele origin: germline.
Comment: This sequence change replaces asparagine, which is neutral and polar, with serine, which is neutral and polar, at codon 1600 of the CHD2 protein (p.Asn1600Ser). This variant is not present in population databases (gnomAD no frequency). This variant has not been reported in the literature in individuals affected with CHD2-related conditions. ClinVar contains an entry for this variant (Variation ID: 1993934). Advanced modeling of protein sequence and biophysical properties (such as structural, functional, and spatial information, amino acid conservation, physicochemical variation, residue mobility, and thermodynamic stability) performed at Invitae indicates that this missense variant is not expected to disrupt CHD2 protein function with a negative predictive value of 95%. In summary, the available evidence is currently insufficient to determine the role of this variant in disease. Therefore, it has been classified as a Variant of Uncertain Significance.

Revvity Omics, Revvity
Classification: Uncertain significance for Developmental and epileptic encephalopathy 94. Last evaluated: 2021-09-15. Review status: criteria provided, single submitter. Criteria: ACMG Guidelines, 2015. Collection method: clinical testing. Allele origin: germline.